The following is an entry in ClinVar:

ClinVar aggregate classification (germline): Pathogenic (1 of 4 stars; one submission).

Conditions:
Hereditary cancer-predisposing syndrome. Also called: Neoplastic Syndromes, Hereditary; Tumor predisposition; Hereditary Cancer Syndrome; Hereditary neoplastic syndrome. Identifiers: Orphanet 140162, MedGen C0027672, MeSH D009386, MONDO:0015356.

Submission:

Ambry Genetics
Classification: Pathogenic for Hereditary cancer-predisposing syndrome. Last evaluated: 2016-11-17. Review status: criteria provided, single submitter. Criteria: Ambry Variant Classification Scheme 2023. Collection method: clinical testing. Allele origin: germline.
Comment: The c.270_273dupGTAC pathogenic mutation, located in coding exon 2 of the BRCA2 gene, results from a duplication of GTAC at nucleotide position 270, causing a translational frameshift with a predicted alternate stop codon. This alteration is expected to result in loss of function by premature protein truncation or nonsense-mediated mRNA decay. As such, this alteration is interpreted as a disease-causing mutation.

NM_000059.4(BRCA2):c.270_273dup (p.Gln92fs)

Gene: BRCA2 (BRCA2 DNA repair associated; plus strand). Cytogenetic location: 13q13.1.
Variant type: Duplication.
Coding change: c.270_273dup on transcript NM_000059.4 (MANE Select); coding-DNA positions 270 to 273, 4 bases duplicated (GTAC; older notation c.270_273dupGTAC).
Protein change: p.Gln92fs; shifts the reading frame from glutamine 92.
Molecular consequence: frameshift variant.
Genome position (GRCh38, 1-based): chr13:32,319,279-32,319,282, GTAC duplicated. VCF-style (leftmost placement, unchanged base first): chr13-32319278-T-TGTAC. GRCh37 (hg19) VCF-style: chr13-32893415-T-TGTAC.
Other names: c.270_273dupGTAC (NM_000059.3); short protein forms Q92fs.
Identifiers: ClinVar variation 482985 (VCV000482985.5), dbSNP rs1555280423, ClinGen allele CA658656335.
Genomic context (GRCh38, chr13:32,319,278, plus strand): 5'-CTTATAATCAGCTGGCTTCAACTCCAATAATATTCAAAGAGCAAGGGCTGACTCTGCCGC[T>TGTAC]GTACCAATCTCCTGTAAAAGAATTAGATAAATTCAAATTAGACTTAGGTAAGTAATGCAA-3'